The following is an entry in ClinVar:

ClinVar aggregate classification (germline): Uncertain significance (1 of 4 stars; one submission).

Allele frequency attached by ClinVar (database versions not stated): gnomAD exomes below 0.00001.
gnomAD v4.1: 2 of 1,360,634 alleles (0.00015%); highest among the groups gnomAD compares: Non-Finnish European, 0.000098%; no homozygotes.

Submission:

Labcorp Genetics (formerly Invitae), Labcorp
Classification: Uncertain significance. Last evaluated: 2022-11-23. Review status: criteria provided, single submitter. Criteria: Invitae Variant Classification Sherloc (09022015). Collection method: clinical testing. Allele origin: germline.
Comment: In summary, the available evidence is currently insufficient to determine the role of this variant in disease. Therefore, it has been classified as a Variant of Uncertain Significance. Advanced modeling of protein sequence and biophysical properties (such as structural, functional, and spatial information, amino acid conservation, physicochemical variation, residue mobility, and thermodynamic stability) performed at Invitae indicates that this missense variant is not expected to disrupt RNF13 protein function. This variant has not been reported in the literature in individuals affected with RNF13-related conditions. This variant is not present in population databases (gnomAD no frequency). This sequence change replaces lysine, which is basic and polar, with glutamic acid, which is acidic and polar, at codon 232 of the RNF13 protein (p.Lys232Glu).

NM_183381.3(RNF13):c.694A>G (p.Lys232Glu)

Gene: RNF13 (ring finger protein 13; plus strand). Cytogenetic location: 3q25.1.
Variant type: single nucleotide variant.
Coding change: c.694A>G on transcript NM_183381.3 (MANE Select); coding-DNA position 694, A replaced by G.
Protein change: p.Lys232Glu; replaces lysine 232 with glutamic acid.
Molecular consequence: missense variant. On other transcripts: non-coding transcript variant (1).
Genome position (GRCh38, 1-based): chr3:149,921,221, A>G. VCF-style: chr3-149921221-A-G. GRCh37 (hg19) VCF-style: chr3-149639008-A-G.
Other names: c.694A>G, p.Lys232Glu (NM_001378285.1, NM_001378286.1, NM_007282.4); c.337A>G, p.Lys113Glu (NM_001378287.1, NM_001378288.1, NM_001378289.1 and 2 more transcripts); c.301A>G, p.Lys101Glu (NM_001378291.1); short protein forms K232E, K101E, K113E.
Identifiers: ClinVar variation 2873513 (VCV002873513.3), dbSNP rs2473494076, ClinGen allele CA354933607.